The following is an entry in ClinVar:

NM_015909.4(NBAS):c.581G>A (p.Ser194Asn)

Gene: NBAS (NBAS subunit of NRZ tethering complex; minus strand). Cytogenetic location: 2p24.3.
Variant type: single nucleotide variant.
Coding change: c.581G>A on transcript NM_015909.4 (MANE Select); coding-DNA position 581, G replaced by A.
Protein change: p.Ser194Asn; replaces serine 194 with asparagine.
Molecular consequence: missense variant. On other transcripts: non-coding transcript variant (1).
Genome position (GRCh38, 1-based): chr2:15,536,484, C>T on the plus strand (G>A on the coding strand, the complement: NBAS is on the minus strand). VCF-style: chr2-15536484-C-T. GRCh37 (hg19) VCF-style: chr2-15676608-C-T.
Other names: short protein forms S194N.
Identifiers: ClinVar variation 2108564 (VCV002108564.4), dbSNP rs1043046993, ClinGen allele CA42648707.

ClinVar aggregate classification (germline): Uncertain significance (1 of 4 stars; one submission).

Allele frequency attached by ClinVar (database versions not stated): TOPMed below 0.00001.

Submission:

Labcorp Genetics (formerly Invitae), Labcorp
Classification: Uncertain significance. Last evaluated: 2023-12-07. Review status: criteria provided, single submitter. Criteria: Invitae Variant Classification Sherloc (09022015). Collection method: clinical testing. Allele origin: germline.
Comment: This sequence change replaces serine, which is neutral and polar, with asparagine, which is neutral and polar, at codon 194 of the NBAS protein (p.Ser194Asn). This variant is not present in population databases (gnomAD no frequency). This variant has not been reported in the literature in individuals affected with NBAS-related conditions. ClinVar contains an entry for this variant (Variation ID: 2108564). Advanced modeling of protein sequence and biophysical properties (such as structural, functional, and spatial information, amino acid conservation, physicochemical variation, residue mobility, and thermodynamic stability) performed at Invitae indicates that this missense variant is not expected to disrupt NBAS protein function with a negative predictive value of 95%. In summary, the available evidence is currently insufficient to determine the role of this variant in disease. Therefore, it has been classified as a Variant of Uncertain Significance.